The following is an entry in ClinVar:

ClinVar aggregate classification (germline): Uncertain significance. Review status: criteria provided, multiple submitters, no conflicts (2 of 4 stars). 2 submissions from 2 submitters: Uncertain significance (2). Last evaluated 2025-01-27.

Conditions:
Niemann-Pick disease, type A. Also called: SPHINGOMYELIN LIPIDOSIS; SPHINGOMYELINASE DEFICIENCY; Infantile Neurovisceral ASMD (Niemann-Pick Disease Type A; NPD-A). Identifiers: Orphanet 77292, MedGen C0268242, MONDO:0009756, OMIM 257200. Disease mechanism: loss of function.
Niemann-Pick disease, type B. Also called: Chronic Visceral ASMD (Niemann-Pick Disease Type B; NPD-B). Identifiers: Orphanet 77293, MedGen C0268243, MONDO:0011871, OMIM 607616. Disease mechanism: loss of function.
Inborn genetic diseases. Identifiers: MedGen C0950123, MeSH D030342.

Allele frequency attached by ClinVar (database versions not stated): gnomAD 0.00001 and 0.00002; TOPMed 0.00001; ExAC 0.00002; gnomAD exomes 0.00002 and 0.00003.

Submissions (2):

Ambry Genetics
Classification: Uncertain significance for Inborn genetic diseases. Last evaluated: 2025-01-27. Review status: criteria provided, single submitter. Criteria: Ambry Variant Classification Scheme 2023. Collection method: clinical testing. Allele origin: germline.

Labcorp Genetics (formerly Invitae), Labcorp
Classification: Uncertain significance for Niemann-Pick disease, type B; Niemann-Pick disease, type A. Last evaluated: 2021-11-21. Review status: criteria provided, single submitter. Criteria: Invitae Variant Classification Sherloc (09022015). Collection method: clinical testing. Allele origin: germline.
Comment: This sequence change replaces methionine, which is neutral and non-polar, with valine, which is neutral and non-polar, at codon 274 of the SMPD1 protein (p.Met274Val). This variant is present in population databases (rs763437061, gnomAD 0.005%). This variant has not been reported in the literature in individuals affected with SMPD1-related conditions. Algorithms developed to predict the effect of missense changes on protein structure and function (SIFT, PolyPhen-2, Align-GVGD) all suggest that this variant is likely to be tolerated. In summary, the available evidence is currently insufficient to determine the role of this variant in disease. Therefore, it has been classified as a Variant of Uncertain Significance.

NM_000543.5(SMPD1):c.820A>G (p.Met274Val)

Gene: SMPD1 (sphingomyelin phosphodiesterase 1; plus strand). Cytogenetic location: 11p15.4.
Variant type: single nucleotide variant.
Coding change: c.820A>G on transcript NM_000543.5 (MANE Select); coding-DNA position 820, A replaced by G.
Protein change: p.Met274Val; replaces methionine 274 with valine.
Molecular consequence: missense variant. On other transcripts: 5 prime UTR variant (1), non-coding transcript variant (1).
Genome position (GRCh38, 1-based): chr11:6,391,885, A>G. VCF-style: chr11-6391885-A-G. GRCh37 (hg19) VCF-style: chr11-6413115-A-G.
Other names: c.817A>G, p.Met273Val (NM_001007593.3); c.820A>G, p.Met274Val (NM_001318087.2, NM_001365135.2); c.-142A>G (NM_001318088.2); short protein forms M273V, M274V.
Identifiers: ClinVar variation 1378173 (VCV001378173.6), dbSNP rs763437061, ClinGen allele CA5852693.
Genomic context (GRCh38, chr11:6,391,885, plus strand): 5'-CTGCCCCTGAGGACCCTGGAGAGCCTGTTGAGTGGGCTGGGCCCAGCCGGCCCTTTTGAT[A>G]TGGTGTACTGGACAGGAGACATCCCCGCACATGATGTCTGGCACCAGACTCGTCAGGACC-3'
Protein context (NP_000534.3, residues 264-284): SGLGPAGPFD[Met274Val]VYWTGDIPAH